The following is an entry in ClinVar:

NM_207371.4(SKIDA1):c.699_722del (p.Ala237_Ala244del)

Gene: SKIDA1 (SKI/DACH domain containing 1; minus strand). Cytogenetic location: 10p12.31.
Variant type: Deletion.
Coding change: c.699_722del on transcript NM_207371.4 (MANE Select); coding-DNA positions 699 to 722, 24 bases deleted (TGCTGCCGCCGCCGCCGCCGCCGC).
Protein change: p.Ala237_Ala244del.
Genome position (GRCh38, 1-based): chr10:21,517,101-21,517,124, GCGGCGGCGGCGGCGGCGGCAGCA deleted on the plus strand (TGCTGCCGCCGCCGCCGCCGCCGC on the coding strand, the reverse complement: SKIDA1 is on the minus strand); deleting any 24 consecutive bases within chr10:21,517,101-21,517,144 gives the same sequence; the c. name uses the placement nearest the transcript's 3' end. VCF-style (leftmost placement, unchanged base first): chr10-21517100-GGCGGCGGCGGCGGCGGCGGCAGCA-G. GRCh37 (hg19) VCF-style: chr10-21806029-GGCGGCGGCGGCGGCGGCGGCAGCA-G.
Identifiers: ClinVar variation 3042384 (VCV003042384.2), dbSNP rs767464686, ClinGen allele CA5434202.

ClinVar aggregate classification (germline): Benign (0 of 4 stars; one submission).

Conditions:
SKIDA1-related disorder. Also called: SKIDA1-related condition.

Submission:

PreventionGenetics, part of Exact Sciences
Classification: Benign for SKIDA1-related condition. Last evaluated: 2019-05-14. Review status: no assertion criteria provided. Collection method: clinical testing. Allele origin: germline.
Comment: This variant is classified as benign based on ACMG/AMP sequence variant interpretation guidelines (Richards et al. 2015 PMID: 25741868, with internal and published modifications).